The following is an entry in ClinVar:

NM_004656.4(BAP1):c.1907T>C (p.Leu636Pro)

Gene: BAP1 (BRCA1 associated deubiquitinase 1; minus strand). Cytogenetic location: 3p21.1.
Variant type: single nucleotide variant.
Coding change: c.1907T>C on transcript NM_004656.4 (MANE Select); coding-DNA position 1907, T replaced by C.
Protein change: p.Leu636Pro; replaces leucine 636 with proline.
Molecular consequence: missense variant.
Genome position (GRCh38, 1-based): chr3:52,402,855, A>G on the plus strand (T>C on the coding strand, the complement: BAP1 is on the minus strand). VCF-style: chr3-52402855-A-G. GRCh37 (hg19) VCF-style: chr3-52436871-A-G.
Other names: short protein forms L636P.
Identifiers: ClinVar variation 848524 (VCV000848524.9), dbSNP rs1705011087, ClinGen allele CA353096901.
Genomic context (GRCh38, chr3:52,402,855, plus strand): 5'-TTCTCTACCTCCTCCTTGAGGCACGCCTCATAGTTTGCAATCTCAGCCTCCACACACTTC[A>G]GCAGTGCCAGCAGCTCCTGCCAAAACCCAGCATTGCACCTCTGATCGGGGCGGGCCAGCA-3'
Protein context (NP_004647.1, residues 626-646): KYSPKELLAL[Leu636Pro]KCVEAEIANY

ClinVar aggregate classification (germline): Uncertain significance. Review status: criteria provided, multiple submitters, no conflicts (2 of 4 stars). 2 submissions from 2 submitters: Uncertain significance (2). Last evaluated 2024-10-09.

Conditions:
Hereditary cancer-predisposing syndrome. Also called: Tumor predisposition; Neoplastic Syndromes, Hereditary; Hereditary neoplastic syndrome; Hereditary Cancer Syndrome. Identifiers: Orphanet 140162, MedGen C0027672, MeSH D009386, MONDO:0015356.
BAP1-related tumor predisposition syndrome (TPDS1). Also called: COMMON Syndrome; Tumor susceptibility linked to germline BAP1 mutations; TUMOR PREDISPOSITION SYNDROME 1; BAP1 tumor predisposition syndrome. Identifiers: Orphanet 289539, MedGen C3280492, MONDO:0013692, OMIM 614327.

Submissions (2):

Labcorp Genetics (formerly Invitae), Labcorp
Classification: Uncertain significance for BAP1-related tumor predisposition syndrome. Last evaluated: 2024-10-09. Review status: criteria provided, single submitter. Criteria: Invitae Variant Classification Sherloc (09022015). Collection method: clinical testing. Allele origin: germline.
Comment: This sequence change replaces leucine, which is neutral and non-polar, with proline, which is neutral and non-polar, at codon 636 of the BAP1 protein (p.Leu636Pro). This variant is not present in population databases (gnomAD no frequency). This variant has not been reported in the literature in individuals affected with BAP1-related conditions. ClinVar contains an entry for this variant (Variation ID: 848524). Invitae Evidence Modeling of protein sequence and biophysical properties (such as structural, functional, and spatial information, amino acid conservation, physicochemical variation, residue mobility, and thermodynamic stability) indicates that this missense variant is expected to disrupt BAP1 protein function with a positive predictive value of 80%. In summary, the available evidence is currently insufficient to determine the role of this variant in disease. Therefore, it has been classified as a Variant of Uncertain Significance.

Ambry Genetics
Classification: Uncertain significance for Hereditary cancer-predisposing syndrome. Last evaluated: 2021-04-19. Review status: criteria provided, single submitter. Criteria: Ambry Variant Classification Scheme 2023. Collection method: clinical testing. Allele origin: germline.
Comment: The p.L636P variant (also known as c.1907T>C), located in coding exon 15 of the BAP1 gene, results from a T to C substitution at nucleotide position 1907. The leucine at codon 636 is replaced by proline, an amino acid with similar properties. This amino acid position is highly conserved in available vertebrate species. In addition, this alteration is predicted to be deleterious by in silico analysis. Since supporting evidence is limited at this time, the clinical significance of this alteration remains unclear.